The following is an entry in ClinVar:

ClinVar aggregate classification (germline): Pathogenic (1 of 4 stars; one submission).

Submission:

Labcorp Genetics (formerly Invitae), Labcorp
Classification: Pathogenic. Last evaluated: 2022-09-02. Review status: criteria provided, single submitter. Criteria: Invitae Variant Classification Sherloc (09022015). Collection method: clinical testing. Allele origin: germline.
Comment: This sequence change creates a premature translational stop signal (p.Phe1768Leufs*70) in the ZNF469 gene. While this is not anticipated to result in nonsense mediated decay, it is expected to disrupt the last 2158 amino acid(s) of the ZNF469 protein. This variant is not present in population databases (gnomAD no frequency). This variant has not been reported in the literature in individuals affected with ZNF469-related conditions. This variant disrupts a region of the ZNF469 protein in which other variant(s) (p.Arg3414Glyfs*59) have been determined to be pathogenic (PMID: 32671420). This suggests that this is a clinically significant region of the protein, and that variants that disrupt it are likely to be disease-causing. For these reasons, this variant has been classified as Pathogenic.

Literature cited by the submitters: PubMed 32671420.

NM_001367624.2(ZNF469):c.5388del (p.Phe1796fs)

Gene: ZNF469 (zinc finger protein 469; plus strand). Cytogenetic location: 16q24.2.
Variant type: Deletion.
Coding change: c.5388del on transcript NM_001367624.2 (MANE Select); coding-DNA position 5388, one base deleted (T; older notation c.5388delT).
Protein change: p.Phe1796fs; shifts the reading frame from phenylalanine 1796.
Molecular consequence: frameshift variant.
Genome position (GRCh38, 1-based): chr16:88,432,858, T deleted; the last of 4 consecutive T bases (chr16:88,432,855-88,432,858); deleting any one gives the same sequence. VCF-style (leftmost placement, unchanged base first): chr16-88432854-CT-C. GRCh37 (hg19) VCF-style: chr16-88499262-CT-C.
Other names: short protein forms F1796fs.
Identifiers: ClinVar variation 2028625 (VCV002028625.4), dbSNP rs2507590369, ClinGen allele CA2576089660.